The following is an entry in ClinVar:

NM_000535.7(PMS2):c.2565C>T (p.Asn855=)

Gene: PMS2 (PMS1 homolog 2, mismatch repair system component; minus strand). Cytogenetic location: 7p22.1.
Variant type: single nucleotide variant.
Coding change: c.2565C>T on transcript NM_000535.7 (MANE Select); coding-DNA position 2565, C replaced by T.
Protein change: p.Asn855=; no amino-acid change (asparagine 855 retained).
Molecular consequence: synonymous variant. On other transcripts: non-coding transcript variant (1).
Genome position (GRCh38, 1-based): chr7:5,973,423, G>A on the plus strand (C>T on the coding strand, the complement: PMS2 is on the minus strand). VCF-style: chr7-5973423-G-A. GRCh37 (hg19) VCF-style: chr7-6013054-G-A.
Other names: c.2160C>T, p.Asn720= (NM_001322003.2, NM_001322004.2, NM_001322005.2); c.2409C>T, p.Asn803= (NM_001322006.2); c.2247C>T, p.Asn749= (NM_001322007.2, NM_001322008.2); c.2193C>T, p.Asn731= (NM_001322009.2); c.2004C>T, p.Asn668= (NM_001322010.2); c.1632C>T, p.Asn544= (NM_001322011.2, NM_001322012.2); c.1992C>T, p.Asn664= (NM_001322013.2); c.2598C>T, p.Asn866= (NM_001322014.2); and 1 more.
Identifiers: ClinVar variation 220363 (VCV000220363.20), dbSNP rs864622494, ClinGen allele CA348325.

ClinVar aggregate classification (germline): Benign/Likely benign. Review status: criteria provided, multiple submitters, no conflicts (2 of 4 stars). 6 submissions from 6 submitters: Benign (1); Likely benign (5). Last evaluated 2026-01-31.

Conditions:
Hereditary nonpolyposis colorectal neoplasms. Identifiers: MedGen C0009405, MeSH D003123.
Hereditary cancer-predisposing syndrome. Also called: Hereditary neoplastic syndrome; Tumor predisposition; Hereditary Cancer Syndrome; Neoplastic Syndromes, Hereditary. Identifiers: Orphanet 140162, MedGen C0027672, MeSH D009386, MONDO:0015356.
Lynch syndrome 4 (LYNCH4). Also called: Colorectal cancer, hereditary nonpolyposis, type 4; Hereditary non-polyposis colorectal cancer, type 4. Identifiers: Orphanet 144, MedGen C1838333, MONDO:0013699, OMIM 614337. Disease mechanism: loss of function.

Submissions (6):

Labcorp Genetics (formerly Invitae), Labcorp
Classification: Likely benign for Hereditary nonpolyposis colorectal neoplasms. Last evaluated: 2026-01-31. Review status: criteria provided, single submitter. Criteria: Invitae Variant Classification Sherloc (09022015). Collection method: clinical testing. Allele origin: germline.

Myriad Genetics, Inc.
Classification: Benign for Lynch syndrome 4. Last evaluated: 2025-02-04. Review status: criteria provided, single submitter. Criteria: Myriad Autosomal Dominant, Autosomal Recessive and X-Linked Classification Criteria (2023). Collection method: clinical testing. Allele origin: unknown.
Comment: This variant is considered benign. This variant is a silent/synonymous amino acid change and it is not expected to impact splicing.

Women's Health and Genetics/Laboratory Corporation of America, LabCorp
Classification: Likely benign. Last evaluated: 2024-03-28. Review status: criteria provided, single submitter. Criteria: LabCorp Variant Classification Summary - May 2015. Collection method: clinical testing. Allele origin: germline.

Color Diagnostics, LLC DBA Color Health
Classification: Likely benign for Hereditary cancer-predisposing syndrome. Last evaluated: 2022-07-12. Review status: criteria provided, single submitter. Criteria: ACMG Guidelines, 2015. Collection method: clinical testing. Allele origin: germline.

Ambry Genetics
Classification: Likely benign for Hereditary cancer-predisposing syndrome. Last evaluated: 2019-03-12. Review status: criteria provided, single submitter. Criteria: Ambry Variant Classification Scheme 2023. Collection method: clinical testing. Allele origin: germline.

GeneDx
Classification: Likely benign. Last evaluated: 2016-10-03. Review status: criteria provided, single submitter. Criteria: GeneDx Variant Classification (06012015). Collection method: clinical testing. Allele origin: germline. Affected: yes.
Comment: This variant is considered likely benign or benign based on one or more of the following criteria: it is a conservative change, it occurs at a poorly conserved position in the protein, it is predicted to be benign by multiple in silico algorithms, and/or has population frequency not consistent with disease.